The following is an entry in ClinVar:

NM_003000.3(SDHB):c.246A>T (p.Glu82Asp)

Gene: SDHB (succinate dehydrogenase complex iron sulfur subunit B; minus strand). Cytogenetic location: 1p36.13.
Variant type: single nucleotide variant.
Coding change: c.246A>T on transcript NM_003000.3 (MANE Select); coding-DNA position 246, A replaced by T.
Protein change: p.Glu82Asp; replaces glutamic acid 82 with aspartic acid.
Molecular consequence: missense variant.
Genome position (GRCh38, 1-based): chr1:17,033,100, T>A on the plus strand (A>T on the coding strand, the complement: SDHB is on the minus strand). VCF-style: chr1-17033100-T-A. GRCh37 (hg19) VCF-style: chr1-17359595-T-A.
Other names: p.Glu82Asp; c.246A>T, p.Glu82Asp (NM_001407361.1); short protein forms E82D.
Identifiers: ClinVar variation 3379459 (VCV003379459.2).

ClinVar aggregate classification (germline): Uncertain significance. Review status: criteria provided, multiple submitters, no conflicts (2 of 4 stars). 2 submissions from 2 submitters: Uncertain significance (2). Last evaluated 2026-07-07.

Conditions:
Hereditary cancer-predisposing syndrome. Also called: Tumor predisposition; Hereditary Cancer Syndrome; Hereditary neoplastic syndrome; Neoplastic Syndromes, Hereditary. Identifiers: Orphanet 140162, MedGen C0027672, MeSH D009386, MONDO:0015356.

Submissions (2):

Ambry Genetics
Classification: Uncertain significance for Hereditary cancer-predisposing syndrome. Last evaluated: 2026-07-07. Review status: criteria provided, single submitter. Criteria: Ambry Variant Classification Scheme 2023. Collection method: clinical testing. Allele origin: germline.
Comment: The p.E82D variant (also known as c.246A>T), located in coding exon 3 of the SDHB gene, results from an A to T substitution at nucleotide position 246. The glutamic acid at codon 82 is replaced by aspartic acid, an amino acid with highly similar properties. This amino acid position is conserved. In addition, this alteration is predicted to be deleterious by in silico analysis. Based on the available evidence, the clinical significance of this variant remains unclear.

Mayo Clinic Laboratories, Mayo Clinic
Classification: Uncertain significance. Last evaluated: 2024-08-12. Review status: criteria provided, single submitter. Criteria: ACMG Guidelines, 2015. Collection method: clinical testing. Allele origin: germline. Observed: 1 variant allele.
Comment: PM2